The following is an entry in ClinVar:

NM_017636.4(TRPM4):c.3254T>G (p.Leu1085Trp)

Gene: TRPM4 (transient receptor potential cation channel subfamily M member 4; plus strand). Cytogenetic location: 19q13.33.
Variant type: single nucleotide variant.
Coding change: c.3254T>G on transcript NM_017636.4 (MANE Select); coding-DNA position 3254, T replaced by G.
Protein change: p.Leu1085Trp; replaces leucine 1085 with tryptophan.
Molecular consequence: missense variant.
Genome position (GRCh38, 1-based): chr19:49,210,331, T>G. VCF-style: chr19-49210331-T-G. GRCh37 (hg19) VCF-style: chr19-49713588-T-G.
Other names: c.2819T>G, p.Leu940Trp (NM_001195227.2); c.2909T>G, p.Leu970Trp (NM_001321281.2); c.1646T>G, p.Leu549Trp (NM_001321282.2); c.2732T>G, p.Leu911Trp (NM_001321283.2); c.2192T>G, p.Leu731Trp (NM_001321285.2); short protein forms L549W, L731W, L970W, L911W, L940W, L1085W.
Identifiers: ClinVar variation 1729451 (VCV001729451.2), dbSNP rs751601605, ClinGen allele CA9569828.

ClinVar aggregate classification (germline): Uncertain significance (1 of 4 stars; one submission).

Conditions:
Cardiovascular phenotype. Identifiers: MedGen CN230736.

Allele frequency attached by ClinVar (database versions not stated): TOPMed 0.00001; ExAC 0.00002.
gnomAD v4.1: 16 of 1,614,198 alleles (0.00099%); highest among the groups gnomAD compares: South Asian, 0.014%; 1 homozygote.

Submission:

Ambry Genetics
Classification: Uncertain significance for Cardiovascular phenotype. Last evaluated: 2020-06-15. Review status: criteria provided, single submitter. Criteria: Ambry Variant Classification Scheme 2023. Collection method: clinical testing. Allele origin: germline.
Comment: The p.L1085W variant (also known as c.3254T>G), located in coding exon 21 of the TRPM4 gene, results from a T to G substitution at nucleotide position 3254. The leucine at codon 1085 is replaced by tryptophan, an amino acid with similar properties. This amino acid position is poorly conserved in available vertebrate species. In addition, this alteration is predicted to be tolerated by in silico analysis. Since supporting evidence is limited at this time, the clinical significance of this alteration remains unclear.